The following is an entry in ClinVar:

ClinVar aggregate classification (germline): Conflicting classifications of pathogenicity. Review status: criteria provided, conflicting classifications (1 of 4 stars). 7 submissions from 7 submitters: Uncertain significance (1); Likely benign (4). 2 of the submissions do not count toward it. Last evaluated 2026-08-01.

Conditions:
CENPF-related disorder. Also called: CENPF-related condition.

Allele frequency attached by ClinVar (database versions not stated): 1000 Genomes Project 0.00120; 1000 Genomes Project 30x 0.00172; TOPMed 0.00222; gnomAD 0.00232 and 0.00238; gnomAD exomes 0.00239 and 0.00309; ExAC 0.00272; ESP Exome Variant Server 0.00300.
gnomAD v4.1: 4,812 of 1,614,068 alleles (0.3%); highest among the groups gnomAD compares: Middle Eastern, 0.84%; 5 homozygotes.

Submissions (7):

CeGaT Center for Human Genetics Tuebingen
Classification: Likely benign. Last evaluated: 2026-08-01. Review status: criteria provided, single submitter. Criteria: CeGaT Center For Human Genetics Tuebingen Variant Classification Criteria Version 2. Collection method: clinical testing. Allele origin: germline. Affected: yes. Observed: 12 variant alleles.
Comment: CENPF: BP4, BS2

Labcorp Genetics (formerly Invitae), Labcorp
Classification: Likely benign. Last evaluated: 2026-01-15. Review status: criteria provided, single submitter. Criteria: Invitae Variant Classification Sherloc (09022015). Collection method: clinical testing. Allele origin: germline.

Blueprint Genetics
Classification: Likely benign. Last evaluated: 2024-11-14. Review status: criteria provided, single submitter. Criteria: ACMG Guidelines, 2015. Collection method: clinical testing. Allele origin: germline.

GeneDx
Classification: Likely benign. Last evaluated: 2021-02-19. Review status: criteria provided, single submitter. Criteria: GeneDx Variant Classification Process June 2021. Collection method: clinical testing. Allele origin: germline. Affected: yes.

Genetic Services Laboratory, University of Chicago
Classification: Uncertain significance. Last evaluated: 2017-01-31. Review status: criteria provided, single submitter. Criteria: ACMG Guidelines, 2015. Collection method: clinical testing. Allele origin: germline. Affected: no.

PreventionGenetics, part of Exact Sciences
Classification: Likely benign for CENPF-related condition. Last evaluated: 2022-03-23. Review status: no assertion criteria provided. Collection method: clinical testing. Allele origin: germline. Not counted in ClinVar's aggregate classification.
Comment: This variant is classified as likely benign based on ACMG/AMP sequence variant interpretation guidelines (Richards et al. 2015 PMID: 25741868, with internal and published modifications).

Laboratory of Molecular Genetics (Pr. Bezieau's lab), CHU de Nantes
Classification: Uncertain significance. Last evaluated: 2017-11-02. Review status: no assertion criteria provided. Collection method: clinical testing. Allele origin: germline. Affected: yes. Not counted in ClinVar's aggregate classification.

NM_016343.4(CENPF):c.3811A>G (p.Lys1271Glu)

Gene: CENPF (centromere protein F; plus strand). Cytogenetic location: 1q41.
Variant type: single nucleotide variant.
Coding change: c.3811A>G on transcript NM_016343.4 (MANE Select); coding-DNA position 3811, A replaced by G.
Protein change: p.Lys1271Glu; replaces lysine 1271 with glutamic acid.
Molecular consequence: missense variant.
Genome position (GRCh38, 1-based): chr1:214,642,149, A>G. VCF-style: chr1-214642149-A-G. GRCh37 (hg19) VCF-style: chr1-214815492-A-G.
Other names: short protein forms K1271E.
Identifiers: ClinVar variation 434706 (VCV000434706.43), dbSNP rs62000407, ClinGen allele CA1390473.